The following is an entry in ClinVar:

NM_012469.4(PRPF6):c.1579C>T (p.Arg527Cys)

Genes: PRPF6 (pre-mRNA processing factor 6; plus strand), LOC126863090 (P300/CBP strongly-dependent group 1 enhancer GRCh37_chr20:62648052-62649251; plus strand). Cytogenetic location: 20q13.33.
Variant type: single nucleotide variant.
Coding change: c.1579C>T on transcript NM_012469.4 (MANE Select); coding-DNA position 1579, C replaced by T.
Protein change: p.Arg527Cys; replaces arginine 527 with cysteine.
Molecular consequence: missense variant.
Genome position (GRCh38, 1-based): chr20:64,016,777, C>T. VCF-style: chr20-64016777-C-T. GRCh37 (hg19) VCF-style: chr20-62648130-C-T.
Other names: short protein forms R527C.
Identifiers: ClinVar variation 3007381 (VCV003007381.4), dbSNP rs760117864, ClinGen allele CA9972225.

ClinVar aggregate classification (germline): Uncertain significance. Review status: criteria provided, multiple submitters, no conflicts (2 of 4 stars). 2 submissions from 2 submitters: Uncertain significance (2). Last evaluated 2023-04-17.

Allele frequency attached by ClinVar (database versions not stated): ExAC 0.00001.
gnomAD v4.1: 10 of 1,614,060 alleles (0.00062%); highest among the groups gnomAD compares: South Asian, 0.0022%; no homozygotes.

Submissions (2):

Blueprint Genetics
Classification: Uncertain significance. Last evaluated: 2023-04-17. Review status: criteria provided, single submitter. Criteria: ACMG Guidelines, 2015. Collection method: clinical testing. Allele origin: germline.

Labcorp Genetics (formerly Invitae), Labcorp
Classification: Uncertain significance. Last evaluated: 2022-12-14. Review status: criteria provided, single submitter. Criteria: Invitae Variant Classification Sherloc (09022015). Collection method: clinical testing. Allele origin: germline.
Comment: In summary, the available evidence is currently insufficient to determine the role of this variant in disease. Therefore, it has been classified as a Variant of Uncertain Significance. Advanced modeling of protein sequence and biophysical properties (such as structural, functional, and spatial information, amino acid conservation, physicochemical variation, residue mobility, and thermodynamic stability) has been performed at Invitae for this missense variant, however the output from this modeling did not meet the statistical confidence thresholds required to predict the impact of this variant on PRPF6 protein function. This variant has not been reported in the literature in individuals affected with PRPF6-related conditions. This variant is present in population databases (rs760117864, gnomAD 0.0009%). This sequence change replaces arginine, which is basic and polar, with cysteine, which is neutral and slightly polar, at codon 527 of the PRPF6 protein (p.Arg527Cys).